The following is an entry in ClinVar:

ClinVar aggregate classification (germline): Uncertain significance. Review status: criteria provided, multiple submitters, no conflicts (2 of 4 stars). 2 submissions from 2 submitters: Uncertain significance (2). Last evaluated 2025-04-28.

Conditions:
Inborn genetic diseases. Identifiers: MedGen C0950123, MeSH D030342.

Allele frequency attached by ClinVar (database versions not stated): ExAC 0.00001; gnomAD exomes 0.00001 and 0.00002; TOPMed 0.00001.
gnomAD v4.1: 8 of 1,613,120 alleles (0.0005%); highest among the groups gnomAD compares: East Asian, 0.0045%; no homozygotes.

Submissions (2):

Ambry Genetics
Classification: Uncertain significance for Inborn genetic diseases. Last evaluated: 2025-04-28. Review status: criteria provided, single submitter. Criteria: Ambry Variant Classification Scheme 2023. Collection method: clinical testing. Allele origin: germline.

Labcorp Genetics (formerly Invitae), Labcorp
Classification: Uncertain significance. Last evaluated: 2025-04-21. Review status: criteria provided, single submitter. Criteria: Invitae Variant Classification Sherloc (09022015). Collection method: clinical testing. Allele origin: germline.
Comment: This sequence change replaces proline, which is neutral and non-polar, with serine, which is neutral and polar, at codon 964 of the MYO7A protein (p.Pro964Ser). This variant is present in population databases (rs782718764, gnomAD 0.01%). This variant has not been reported in the literature in individuals affected with MYO7A-related conditions. ClinVar contains an entry for this variant (Variation ID: 1420299). Invitae Evidence Modeling of protein sequence and biophysical properties (such as structural, functional, and spatial information, amino acid conservation, physicochemical variation, residue mobility, and thermodynamic stability) has been performed for this missense variant. However, the output from this modeling did not meet the statistical confidence thresholds required to predict the impact of this variant on MYO7A protein function. In summary, the available evidence is currently insufficient to determine the role of this variant in disease. Therefore, it has been classified as a Variant of Uncertain Significance.

NM_000260.4(MYO7A):c.2890C>T (p.Pro964Ser)

Gene: MYO7A (myosin VIIA; plus strand). Cytogenetic location: 11q13.5.
Variant type: single nucleotide variant.
Coding change: c.2890C>T on transcript NM_000260.4 (MANE Select); coding-DNA position 2890, C replaced by T.
Protein change: p.Pro964Ser; replaces proline 964 with serine.
Molecular consequence: missense variant.
Genome position (GRCh38, 1-based): chr11:77,181,575, C>T. VCF-style: chr11-77181575-C-T. GRCh37 (hg19) VCF-style: chr11-76892621-C-T.
Other names: c.2890C>T, p.Pro964Ser (NM_001127180.2); c.2857C>T, p.Pro953Ser (NM_001369365.1); c.2890C>T (NM_000260.3); short protein forms P953S, P964S.
Identifiers: ClinVar variation 1420299 (VCV001420299.8), dbSNP rs782718764, ClinGen allele CA6197948.
Genomic context (GRCh38, chr11:77,181,575, plus strand): 5'-GACAAGATGTTTGGCTTCCTGGGGACTTCAGGTGGCCTGCCAGGCCAGGAGGGCCAGGCA[C>T]CTAGTGGCTTTGAGGTACCAGGCTAGGGACAGGGGCTCCAGAGGCCCACACACACCGCTT-3'
Protein context (NP_000251.3, residues 954-974): GGLPGQEGQA[Pro964Ser]SGFEDLERGR